The following is an entry in ClinVar:

NM_022124.6(CDH23):c.8300T>A (p.Phe2767Tyr)

Gene: CDH23 (cadherin related 23; plus strand). Cytogenetic location: 10q22.1.
Variant type: single nucleotide variant.
Coding change: c.8300T>A on transcript NM_022124.6 (MANE Select); coding-DNA position 8300, T replaced by A.
Protein change: p.Phe2767Tyr; replaces phenylalanine 2767 with tyrosine.
Molecular consequence: missense variant.
Genome position (GRCh38, 1-based): chr10:71,807,398, T>A. VCF-style: chr10-71807398-T-A. GRCh37 (hg19) VCF-style: chr10-73567155-T-A.
Other names: c.1580T>A, p.Phe527Tyr (NM_001171933.1, NM_001171934.1); short protein forms F2767Y, F527Y.
Identifiers: ClinVar variation 1975617 (VCV001975617.5), dbSNP rs2494434083, ClinGen allele CA377131252.

ClinVar aggregate classification (germline): Uncertain significance (1 of 4 stars; one submission).

Submission:

Labcorp Genetics (formerly Invitae), Labcorp
Classification: Uncertain significance. Last evaluated: 2022-06-30. Review status: criteria provided, single submitter. Criteria: Invitae Variant Classification Sherloc (09022015). Collection method: clinical testing. Allele origin: germline.
Comment: This variant has not been reported in the literature in individuals affected with CDH23-related conditions. In summary, the available evidence is currently insufficient to determine the role of this variant in disease. Therefore, it has been classified as a Variant of Uncertain Significance. Algorithms developed to predict the effect of missense changes on protein structure and function are either unavailable or do not agree on the potential impact of this missense change (SIFT: "Deleterious"; PolyPhen-2: "Not Available"; Align-GVGD: "Class C0"). This variant is not present in population databases (gnomAD no frequency). This sequence change replaces phenylalanine, which is neutral and non-polar, with tyrosine, which is neutral and polar, at codon 2767 of the CDH23 protein (p.Phe2767Tyr).